The following is an entry in ClinVar:

NM_000257.4(MYH7):c.739T>C (p.Phe247Leu)

Gene: MYH7 (myosin heavy chain 7; minus strand). Cytogenetic location: 14q11.2.
Variant type: single nucleotide variant.
Coding change: c.739T>C on transcript NM_000257.4 (MANE Select); coding-DNA position 739, T replaced by C.
Protein change: p.Phe247Leu; replaces phenylalanine 247 with leucine.
Molecular consequence: missense variant.
Genome position (GRCh38, 1-based): chr14:23,431,475, A>G on the plus strand (T>C on the coding strand, the complement: MYH7 is on the minus strand). VCF-style: chr14-23431475-A-G. GRCh37 (hg19) VCF-style: chr14-23900684-A-G.
Other names: short protein forms F247L.
Identifiers: ClinVar variation 164392 (VCV000164392.6), dbSNP rs727503276, ClinGen allele CA016744.

ClinVar aggregate classification (germline): Likely pathogenic. Review status: criteria provided, multiple submitters, no conflicts (2 of 4 stars). 2 submissions from 2 submitters: Likely pathogenic (2). Last evaluated 2022-02-18.

Conditions:
Cardiovascular phenotype. Identifiers: MedGen CN230736.
Hypertrophic cardiomyopathy. Also called: HYPERTROPHIC MYOCARDIOPATHY. Identifiers: Orphanet 217569, MedGen C0007194, MeSH D002312, MONDO:0005045, HP:0001639.

Submissions (2):

Ambry Genetics
Classification: Likely pathogenic for Cardiovascular phenotype. Last evaluated: 2022-02-18. Review status: criteria provided, single submitter. Criteria: Ambry Variant Classification Scheme 2023. Collection method: clinical testing. Allele origin: germline.
Comment: The p.F247L variant (also known as c.739T>C), located in coding exon 7 of the MYH7 gene, results from a T to C substitution at nucleotide position 739. The phenylalanine at codon 247 is replaced by leucine, an amino acid with highly similar properties. Additional segregation with disease has been reported in a family with HCM who had testing performed at outside laboratories (personal communication). In addition, this variant is considered to be rare based on population cohorts in the Genome Aggregation Database (gnomAD). This amino acid position is highly conserved in available vertebrate species. In addition, this alteration is predicted to be deleterious by in silico analysis. Based on the majority of available evidence to date, this variant is likely to be pathogenic.

Laboratory for Molecular Medicine, Mass General Brigham Personalized Medicine
Classification: Likely pathogenic for Hypertrophic cardiomyopathy. Last evaluated: 2016-12-02. Review status: criteria provided, single submitter. Criteria: LMM Criteria. Collection method: clinical testing. Allele origin: germline. Observed: 6 variant alleles.
Comment: The p.Phe247Leu variant in MYH7 has been reported in 5 individuals with HCM and segregated with disease in 5 affected relatives from 2 families, including 2 aff ected obligate carriers (Garcia-Castro 2009, Coto 2012, LMM data). This variant was absent from large population studies. Phenylalanine (Phe) at position 247 is highly conserved in mammals and across evolutionarily distant species and the c hange to leucine (Leu) was predicted to be pathogenic using a computational tool clinically validated by our laboratory. This tool's pathogenic prediction is es timated to be correct 94% of the time (Jordan 2011). In summary, although additi onal studies are required to fully establish its clinical significance, the p.Ph e247Leu variant is likely pathogenic.

Literature cited by the submitters: PubMed 19150014 (cited by Ambry Genetics and Laboratory for Molecular Medicine, Mass General Brigham Personalized Medicine); PubMed 22765922 (cited by Ambry Genetics and Laboratory for Molecular Medicine, Mass General Brigham Personalized Medicine); PubMed 27532257 (cited by Ambry Genetics); PubMed 28356264 (cited by Ambry Genetics); PubMed 31006259 (cited by Ambry Genetics).